The following is an entry in ClinVar:

ClinVar aggregate classification (germline): Conflicting classifications of pathogenicity. Review status: criteria provided, conflicting classifications (1 of 4 stars). 4 submissions from 4 submitters: Pathogenic (1); Likely pathogenic (1); Uncertain significance (2). Last evaluated 2024-10-23.

Conditions:
Hereditary cancer-predisposing syndrome. Also called: Neoplastic Syndromes, Hereditary; Hereditary Cancer Syndrome; Hereditary neoplastic syndrome; Tumor predisposition. Identifiers: Orphanet 140162, MedGen C0027672, MeSH D009386, MONDO:0015356.
Pheochromocytoma/paraganglioma syndrome 4. Also called: PARAGANGLIOMA, FAMILIAL MALIGNANT; PARAGANGLIOMAS, HEREDITARY EXTRAADRENAL; PHEOCHROMOCYTOMA, FAMILIAL EXTRAADRENAL; Paragangliomas 4; CAROTID BODY TUMORS AND MULTIPLE EXTRAADRENAL PHEOCHROMOCYTOMAS; SDHB-Related Hereditary Paraganglioma-Pheochromocytoma Syndrome (Paragangliomas 4). Identifiers: Orphanet 29072, MedGen C1861848, MONDO:0007273, OMIM 115310.
Gastrointestinal stromal tumor. Also called: Gastrointestinal stroma tumor; Gastrointestinal stromal tumor, somatic. Identifiers: Orphanet 44890, MedGen C0238198, MeSH D046152, MONDO:0011719, OMIM 606764, HP:0100723.
Pheochromocytoma. Also called: MAX-Related Hereditary Paraganglioma-Pheochromocytoma Syndrome. Identifiers: Orphanet 29072, MedGen C0031511, MONDO:0008233, OMIM 171300, HP:0002666.

Submissions (4):

Labcorp Genetics (formerly Invitae), Labcorp
Classification: Pathogenic for Gastrointestinal stromal tumor; Pheochromocytoma/paraganglioma syndrome 4; Pheochromocytoma. Last evaluated: 2024-10-23. Review status: criteria provided, single submitter. Criteria: Invitae Variant Classification Sherloc (09022015). Collection method: clinical testing. Allele origin: germline.
Comment: This sequence change falls in intron 2 of the SDHB gene. It does not directly change the encoded amino acid sequence of the SDHB protein. RNA analysis indicates that this variant induces altered splicing and may result in an absent or altered protein product. This variant is not present in population databases (gnomAD no frequency). This variant has been observed in individuals with SDHB-related disease (internal data). It has also been observed to segregate with disease in related individuals. ClinVar contains an entry for this variant (Variation ID: 440259). Variants that disrupt the consensus splice site are a relatively common cause of aberrant splicing (PMID: 17576681, 9536098). Studies have shown that this variant results in activation of a cryptic splice site, and produces a non-functional protein and/or introduces a premature termination codon (internal data). For these reasons, this variant has been classified as Pathogenic.

Ambry Genetics
Classification: Likely pathogenic for Hereditary cancer-predisposing syndrome. Last evaluated: 2022-10-19. Review status: criteria provided, single submitter. Criteria: Ambry Variant Classification Scheme 2023. Collection method: clinical testing. Allele origin: germline.
Comment: The c.200+5G>C intronic variant results from a G to C substitution 5 nucleotides after coding exon 2 in the SDHB gene. This alteration has been reported in a study of 1/214 patients diagnosed with head and neck paragangliomas (Sen I et al. J Vasc Surg, 2020 05;71:1602-1612.e2), and has also been observed internally in at least one individual with a personal and/or family history that is consistent with SDHB-related disease (Ambry internal data). This variant is considered to be rare based on population cohorts in the Genome Aggregation Database (gnomAD). This nucleotide position is highly conserved in available vertebrate species. In silico splice site analysis predicts that this alteration will weaken the native splice donor site; however, direct evidence is insufficient at this time (Ambry internal data). Based on the majority of available evidence to date, this variant is likely to be pathogenic.

Mayo Clinic Laboratories, Mayo Clinic
Classification: Uncertain significance. Last evaluated: 2022-07-07. Review status: criteria provided, single submitter. Criteria: ACMG Guidelines, 2015. Collection method: clinical testing. Allele origin: germline. Observed: 1 variant allele.
Comment: PP3, PM2

ARUP Laboratories, Molecular Genetics and Genomics, ARUP Laboratories
Classification: Uncertain significance. Last evaluated: 2017-03-09. Review status: criteria provided, single submitter. Criteria: ARUP Molecular Germline Variant Investigation Process. Collection method: clinical testing. Allele origin: germline.

Literature cited by the submitters: PubMed 17576681 (cited by Labcorp Genetics (formerly Invitae), Labcorp); PubMed 9536098 (cited by Labcorp Genetics (formerly Invitae), Labcorp); PubMed 32035780 (cited by Ambry Genetics).

NM_003000.3(SDHB):c.200+5G>C

Gene: SDHB (succinate dehydrogenase complex iron sulfur subunit B; minus strand). Cytogenetic location: 1p36.13.
Variant type: single nucleotide variant.
Coding change: c.200+5G>C on transcript NM_003000.3 (MANE Select); 5 bases into the intron after coding-DNA position 200, G replaced by C.
Molecular consequence: intron variant.
Genome position (GRCh38, 1-based): chr1:17,044,756, C>G on the plus strand (G>C on the coding strand, the complement: SDHB is on the minus strand). VCF-style: chr1-17044756-C-G. GRCh37 (hg19) VCF-style: chr1-17371251-C-G.
Identifiers: ClinVar variation 440259 (VCV000440259.18), dbSNP rs1553178726, ClinGen allele CA645509072.